The following is an entry in ClinVar:

ClinVar aggregate classification (germline): Likely benign. Review status: criteria provided, multiple submitters, no conflicts (2 of 4 stars). 2 submissions from 2 submitters: Likely benign (2). Last evaluated 2024-10-31.

Conditions:
Autosomal recessive limb-girdle muscular dystrophy type 2J (LGMDR10). Also called: MUSCULAR DYSTROPHY, LIMB-GIRDLE, AUTOSOMAL RECESSIVE 10; Limb-girdle muscular dystrophy, type 2J. Identifiers: Orphanet 140922, MedGen C1837342, MONDO:0012127, OMIM 608807.
Dilated cardiomyopathy 1G (CMD1G). Identifiers: Orphanet 154, MedGen C1858763, MONDO:0011400, OMIM 604145.

Allele frequency attached by ClinVar (database versions not stated): gnomAD 0.00001; ExAC 0.00002; gnomAD exomes 0.00004.
gnomAD v4.1: 13 of 1,608,388 alleles (0.00081%); highest among the groups gnomAD compares: Admixed American, 0.017%; no homozygotes.

Submissions (2):

Labcorp Genetics (formerly Invitae), Labcorp
Classification: Likely benign for Dilated cardiomyopathy 1G; Autosomal recessive limb-girdle muscular dystrophy type 2J. Last evaluated: 2024-10-31. Review status: criteria provided, single submitter. Criteria: Invitae Variant Classification Sherloc (09022015). Collection method: clinical testing. Allele origin: germline.

GeneDx
Classification: Likely benign. Last evaluated: 2018-03-05. Review status: criteria provided, single submitter. Criteria: GeneDx Variant Classification (06012015). Collection method: clinical testing. Allele origin: germline. Affected: yes.
Comment: This variant is considered likely benign or benign based on one or more of the following criteria: it is a conservative change, it occurs at a poorly conserved position in the protein, it is predicted to be benign by multiple in silico algorithms, and/or has population frequency not consistent with disease.

NM_001267550.2(TTN):c.29142T>C (p.Thr9714=)

Gene: TTN (titin; minus strand). Cytogenetic location: 2q31.2.
Variant type: single nucleotide variant.
Coding change: c.29142T>C on transcript NM_001267550.2 (MANE Select); coding-DNA position 29142, T replaced by C.
Protein change: p.Thr9714=; no amino-acid change (threonine 9714 retained).
Molecular consequence: synonymous variant. On other transcripts: intron variant (3).
Genome position (GRCh38, 1-based): chr2:178,706,732, A>G on the plus strand (T>C on the coding strand, the complement: TTN is on the minus strand). VCF-style: chr2-178706732-A-G. GRCh37 (hg19) VCF-style: chr2-179571459-A-G.
Other names: c.28191T>C, p.Thr9397= (NM_001256850.1); c.25410T>C, p.Thr8470= (NM_133378.4); c.13282+31350T>C (NM_003319.4); c.13858+31350T>C (NM_133437.4); c.13657+31350T>C (NM_133432.3).
Identifiers: ClinVar variation 515977 (VCV000515977.6), dbSNP rs773838077, ClinGen allele CA1999437.
Genomic context (GRCh38, chr2:178,706,732, plus strand): 5'-CCCTTTTGTCCATTTAACATTTGGGATTGGGTCACCTCCAACTTTTGCAATGAAGGTCGC[A>G]GTGGTTTCTAAGGAATAATGAAAACAAGTGAATAAAAATTTAATTTTCTAAAATCAGTTC-3'
Protein context (NP_001254479.2, residues 9704-9724): PQSIRVVEKT[Thr9714=]ATFIAKVGGD